The following is an entry in ClinVar:

ClinVar aggregate classification (germline): Uncertain significance. Review status: criteria provided, multiple submitters, no conflicts (2 of 4 stars). 2 submissions from 2 submitters: Uncertain significance (2). Last evaluated 2025-12-03.

Conditions:
3-hydroxy-3-methylglutaryl-CoA synthase deficiency (HMGCS2D). Also called: HMGCS2 DEFICIENCY; HMG-CoA synthase-2 deficiency; MITOCHONDRIAL HMG-CoA SYNTHASE DEFICIENCY. Identifiers: Orphanet 35701, MedGen C2751532, MONDO:0011614, OMIM 605911.
Inborn genetic diseases. Identifiers: MedGen C0950123, MeSH D030342.

Allele frequency attached by ClinVar (database versions not stated): gnomAD 0.00003; ExAC 0.00007.
gnomAD v4.1: 26 of 1,614,008 alleles (0.0016%); highest among the groups gnomAD compares: African/African-American, 0.0067%; no homozygotes.

Submissions (2):

Ambry Genetics
Classification: Uncertain significance for Inborn genetic diseases. Last evaluated: 2025-12-03. Review status: criteria provided, single submitter. Criteria: Ambry Variant Classification Scheme 2023. Collection method: clinical testing. Allele origin: germline.

Labcorp Genetics (formerly Invitae), Labcorp
Classification: Uncertain significance for 3-hydroxy-3-methylglutaryl-CoA synthase deficiency. Last evaluated: 2024-02-05. Review status: criteria provided, single submitter. Criteria: Invitae Variant Classification Sherloc (09022015). Collection method: clinical testing. Allele origin: germline.
Comment: This sequence change replaces arginine, which is basic and polar, with histidine, which is basic and polar, at codon 314 of the HMGCS2 protein (p.Arg314His). This variant is present in population databases (rs755313968, gnomAD 0.02%). This variant has not been reported in the literature in individuals affected with HMGCS2-related conditions. ClinVar contains an entry for this variant (Variation ID: 2153420). Algorithms developed to predict the effect of missense changes on protein structure and function output the following: SIFT: "Not Available"; PolyPhen-2: "Possibly Damaging"; Align-GVGD: "Not Available". The histidine amino acid residue is found in multiple mammalian species, which suggests that this missense change does not adversely affect protein function. In summary, the available evidence is currently insufficient to determine the role of this variant in disease. Therefore, it has been classified as a Variant of Uncertain Significance.

NM_005518.4(HMGCS2):c.941G>A (p.Arg314His)

Gene: HMGCS2 (3-hydroxy-3-methylglutaryl-CoA synthase 2; minus strand). Cytogenetic location: 1p12.
Variant type: single nucleotide variant.
Coding change: c.941G>A on transcript NM_005518.4 (MANE Select); coding-DNA position 941, G replaced by A.
Protein change: p.Arg314His; replaces arginine 314 with histidine.
Molecular consequence: missense variant.
Genome position (GRCh38, 1-based): chr1:119,757,348, C>T on the plus strand (G>A on the coding strand, the complement: HMGCS2 is on the minus strand). VCF-style: chr1-119757348-C-T. GRCh37 (hg19) VCF-style: chr1-120299971-C-T.
Other names: c.815G>A, p.Arg272His (NM_001166107.1); short protein forms R314H, R272H.
Identifiers: ClinVar variation 2153420 (VCV002153420.5), dbSNP rs755313968, ClinGen allele CA1037726.
Genomic context (GRCh38, chr1:119,757,348, plus strand): 5'-CCCTTATATAAGCTGGTTTGTGTGTCACTGCTGGCTGACAGGAAGTCATTGAACATCAGG[C>T]GAGCCAGAGACTTCTGGACCATCTTGCAAAAGGGTGTATGAAAGATCATGTACTGTAAAT-3'
Protein context (NP_005509.1, residues 304-324): FCKMVQKSLA[Arg314His]LMFNDFLSAS